The following is an entry in ClinVar:

ClinVar aggregate classification (germline): Uncertain significance (1 of 4 stars; one submission).

Conditions:
Long QT syndrome (LQTS). Identifiers: MedGen C0023976, MeSH D008133, MONDO:0002442. Disease mechanism: loss of function. Inheritance: Various modes of inheritance.

gnomAD v4.1: 1 of 1,614,080 alleles (0.000062%); highest among the groups gnomAD compares: South Asian, 0.0011%; no homozygotes.

Submission:

Labcorp Genetics (formerly Invitae), Labcorp
Classification: Uncertain significance for Long QT syndrome. Last evaluated: 2025-12-16. Review status: criteria provided, single submitter. Criteria: Invitae Variant Classification Sherloc (09022015). Collection method: clinical testing. Allele origin: germline.
Comment: This sequence change replaces serine, which is neutral and polar, with threonine, which is neutral and polar, at codon 2866 of the ANK2 protein (p.Ser2866Thr). This variant is not present in population databases (gnomAD no frequency). This variant has not been reported in the literature in individuals affected with ANK2-related conditions. An algorithm developed to predict the effect of missense changes on protein structure and function outputs the following: PolyPhen-2: "Benign". The threonine amino acid residue is found in multiple mammalian species, which suggests that this missense change does not adversely affect protein function. In summary, the available evidence is currently insufficient to determine the role of this variant in disease. Therefore, it has been classified as a Variant of Uncertain Significance.

NM_001148.6(ANK2):c.8596T>A (p.Ser2866Thr)

Gene: ANK2 (ankyrin 2; plus strand). Cytogenetic location: 4q26.
Variant type: single nucleotide variant.
Coding change: c.8596T>A on transcript NM_001148.6 (MANE Select); coding-DNA position 8596, T replaced by A.
Protein change: p.Ser2866Thr; replaces serine 2866 with threonine.
Molecular consequence: missense variant. On other transcripts: intron variant (68).
Genome position (GRCh38, 1-based): chr4:113,357,214, T>A. VCF-style: chr4-113357214-T-A. GRCh37 (hg19) VCF-style: chr4-114278370-T-A.
Other names: c.8362T>A, p.Ser2788Thr (NM_001386142.1); c.4996T>A, p.Ser1666Thr (NM_001386166.1); c.8737T>A, p.Ser2913Thr (NM_001386174.1); c.8713T>A, p.Ser2905Thr (NM_001386175.1); c.4412-3609T>A (NM_001386186.2, NM_001386148.2); c.4214-3609T>A (NM_001354269.3); c.4292-3609T>A (NM_001386187.2); c.4253-3609T>A (NM_001386147.1); and 35 more; short protein forms S1666T, S2788T, S2866T, S2905T, S2913T.
Identifiers: ClinVar variation 4774703 (VCV004774703.1).
Genomic context (GRCh38, chr4:113,357,214, plus strand): 5'-TCTTCATCCTCTTTGCCTCATTGTTTGGTATCTGAAGGAAAAGAATTAGATGAAGACATA[T>A]CTGCCACATCTTCTATTCAAAAAACAGAGGTCACAAAAACTGATGAAACATTTGAGAACT-3'
Protein context (NP_001139.3, residues 2856-2876): SEGKELDEDI[Ser2866Thr]ATSSIQKTEV